The following is an entry in ClinVar:

ClinVar aggregate classification (germline): Conflicting classifications of pathogenicity. Review status: criteria provided, conflicting classifications (1 of 4 stars). 3 submissions from 3 submitters: Uncertain significance (1); Benign (1); Likely benign (1). Last evaluated 2025-07-15.

Conditions:
Cardiovascular phenotype. Identifiers: MedGen CN230736.
3-Methylglutaconic aciduria type 2 (BTHS). Also called: Barth syndrome; CARDIOSKELETAL MYOPATHY WITH NEUTROPENIA AND ABNORMAL MITOCHONDRIA. Identifiers: Orphanet 111, MedGen C0574083, MONDO:0010543, OMIM 302060.

Allele frequency attached by ClinVar (database versions not stated): gnomAD 0.00001 and 0.00002; gnomAD exomes 0.00002; TOPMed 0.00002.
gnomAD v4.1: 28 of 1,208,539 alleles (0.0023%); highest among the groups gnomAD compares: Middle Eastern, 0.023%; no homozygotes.

Submissions (4):

Labcorp Genetics (formerly Invitae), Labcorp
Classification: Likely benign for 3-Methylglutaconic aciduria type 2. Last evaluated: 2025-07-15. Review status: criteria provided, single submitter. Criteria: Invitae Variant Classification Sherloc (09022015). Collection method: clinical testing. Allele origin: germline.

Ambry Genetics
Classification: Uncertain significance for Cardiovascular phenotype. Last evaluated: 2022-11-17. Review status: criteria provided, single submitter. Criteria: Ambry Variant Classification Scheme 2023. Collection method: clinical testing. Allele origin: germline.
Comment: The c.468C>T variant (also known as p.G156G), located in coding exon 6 of the TAZ gene, results from a C to T substitution at nucleotide position 468. This nucleotide substitution does not change the glycine at codon 156. Based on data from gnomAD, the T allele has an overall frequency of 0.002% (4/204754) total alleles studied, with no hemizygotes observed. The highest observed frequency was 0.003% (3/92374) of European (non-Finnish) alleles. This nucleotide position is poorly conserved in available vertebrate species. In silico splice site analysis for this alteration is inconclusive. Since supporting evidence is limited at this time, the clinical significance of this alteration remains unclear.

GeneDx
Classification: Benign. Last evaluated: 2015-03-03. Review status: criteria provided, single submitter. Criteria: GeneDx Variant Classification Process June 2021. Collection method: clinical testing. Allele origin: germline. Affected: yes.

Dr. Peter K. Rogan Lab, Western University
No classification provided (evidence only). Condition: Thyroid cancer, nonmedullary, 1. Review status: no classification provided. Collection method: in vitro. Allele origin: not applicable. Functional consequence: retained intron. Not counted in ClinVar's aggregate classification.

NM_000116.5(TAFAZZIN):c.468C>T (p.Gly156=)

Gene: TAFAZZIN (tafazzin, phospholipid-lysophospholipid transacylase; plus strand). Cytogenetic location: Xq28.
Variant type: single nucleotide variant.
Coding change: c.468C>T on transcript NM_000116.5 (MANE Select); coding-DNA position 468, C replaced by T.
Protein change: p.Gly156=; no amino-acid change (glycine 156 retained).
Molecular consequence: synonymous variant. On other transcripts: non-coding transcript variant (1).
Genome position (GRCh38, 1-based): chrX:154,419,550, C>T. VCF-style: chrX-154419550-C-T. GRCh37 (hg19) VCF-style: chrX-153647889-C-T.
Other names: c.522C>T, p.Gly174= (NM_001303465.2); c.378C>T, p.Gly126= (NM_181311.4, NM_181313.4); c.468C>T, p.Gly156= (NM_181312.4).
Identifiers: ClinVar variation 1104229 (VCV001104229.12), dbSNP rs990648341, ClinGen allele CA337287770.